The following is an entry in ClinVar:

ClinVar aggregate classification (germline): Likely benign (0 of 4 stars; one submission).

Conditions:
Polycystic kidney disease. Also called: Polycystic kidney dysplasia; Kidney, Polycystic. Identifiers: MedGen C0022680, MeSH D007690, MONDO:0020642, HP:0000113.

Allele frequency attached by ClinVar (database versions not stated): gnomAD exomes 0.00002 and 0.00005; gnomAD 0.00003; ExAC 0.00004; TOPMed 0.00005.
gnomAD v4.1: 36 of 1,599,300 alleles (0.0023%); highest among the groups gnomAD compares: East Asian, 0.018%; no homozygotes.

Submission:

Department of Pathology and Laboratory Medicine, Sinai Health System
Classification: Likely benign for Polycystic Kidney disease. Review status: no assertion criteria provided. Collection method: clinical testing. Allele origin: unknown. Affected: yes. Study: The Canadian Open Genetics Repository (COGR).
Comment: The PKD1 p.Arg1998= variant was not identified in the literature nor was it identified in the ClinVar, COGR, LOVD 3.0, ADPKD Mutation Database, or PKD1-LOVD databases. The variant was identified in the dbSNP database (ID: rs766375023). The variant was identified in control databases in 14 of 236616 chromosomes at a frequency of 0.00006 (Genome Aggregation Database Feb 27, 2017). It was observed in the following populations: African in 3 of 14086 chromosomes (freq: 0.0002), Latino in 1 of 33438 chromosomes (freq: 0.00003), European Non-Finnish in 3 of 106738 chromosomes (freq: 0.00003), East Asian in 5 of 17060 chromosomes (freq: 0.0003), and South Asian in 2 of 30524 chromosomes (freq: 0.00007); it was not observed in the â€šÃ„ÃºOtherâ€šÃ„Ã¹, Ashkenazi Jewish, or European Finnish populations. The p.Arg1998= variant is not expected to have clinical significance because it does not result in a change of amino acid and is not located in a known consensus splice site. In addition, in silico or computational prediction software programs (SpliceSiteFinder, MaxEntScan, NNSPLICE, GeneSplicer, HumanSpliceFinder) do not predict a difference in splicing. In summary, based on the above information the clinical significance of this variant cannot be determined with certainty at this time although we would lean towards a more benign role for this variant. This variant is classified as likely benign.

NM_001009944.3(PKD1):c.5994C>T (p.Arg1998=)

Gene: PKD1 (polycystin 1, transient receptor potential channel interacting; minus strand). Cytogenetic location: 16p13.3.
Variant type: single nucleotide variant.
Coding change: c.5994C>T on transcript NM_001009944.3 (MANE Select); coding-DNA position 5994, C replaced by T.
Protein change: p.Arg1998=; no amino-acid change (arginine 1998 retained).
Molecular consequence: synonymous variant.
Genome position (GRCh38, 1-based): chr16:2,109,173, G>A on the plus strand (C>T on the coding strand, the complement: PKD1 is on the minus strand). VCF-style: chr16-2109173-G-A. GRCh37 (hg19) VCF-style: chr16-2159174-G-A.
Other names: c.5994C>T, p.Arg1998= (NM_000296.4).
Identifiers: ClinVar variation 997156 (VCV000997156.1), dbSNP rs766375023, ClinGen allele CA7831770.
Genomic context (GRCh38, chr16:2,109,173, plus strand): 5'-CAGCGAGTCGCCCTGGACCTTCTGCAGCGAGAAGTACCAGGCGTAGGCGACCCGAGAGCC[G>A]CGCTGCACGCGGGCTGTGAAGTTCCTCTCAGTGCCCGTGGCGATGCCAGGCTCGCAGCAG-3'
Protein context (NP_001009944.3, residues 1988-2008): TERNFTARVQ[Arg1998=]GSRVAYAWYF